The following is an entry in ClinVar:

ClinVar aggregate classification (germline): Uncertain significance. Review status: criteria provided, multiple submitters, no conflicts (2 of 4 stars). 2 submissions from 2 submitters: Uncertain significance (2). Last evaluated 2025-11-19.

Allele frequency attached by ClinVar (database versions not stated): gnomAD exomes below 0.00001 and 0.00003; TOPMed below 0.00001.

Submissions (2):

Labcorp Genetics (formerly Invitae), Labcorp
Classification: Uncertain significance. Last evaluated: 2025-11-19. Review status: criteria provided, single submitter. Criteria: Invitae Variant Classification Sherloc (09022015). Collection method: clinical testing. Allele origin: germline.
Comment: This sequence change replaces alanine, which is neutral and non-polar, with proline, which is neutral and non-polar, at codon 524 of the GEN1 protein (p.Ala524Pro). This variant is present in population databases (no rsID available, gnomAD 0.0009%). This variant has not been reported in the literature in individuals affected with GEN1-related conditions. ClinVar contains an entry for this variant (Variation ID: 1496749). An algorithm developed to predict the effect of missense changes on protein structure and function outputs the following: PolyPhen-2: "Benign". The proline amino acid residue is found in multiple mammalian species, which suggests that this missense change does not adversely affect protein function. In summary, the available evidence is currently insufficient to determine the role of this variant in disease. Therefore, it has been classified as a Variant of Uncertain Significance.

Ambry Genetics
Classification: Uncertain significance. Last evaluated: 2024-11-21. Review status: criteria provided, single submitter. Criteria: Ambry Variant Classification Scheme 2023. Collection method: clinical testing. Allele origin: germline.
Comment: The p.A524P variant (also known as c.1570G>C), located in coding exon 13 of the GEN1 gene, results from a G to C substitution at nucleotide position 1570. The alanine at codon 524 is replaced by proline, an amino acid with highly similar properties. This amino acid position is conserved. In addition, this alteration is predicted to be tolerated by in silico analysis. Based on the available evidence, the clinical significance of this variant remains unclear.

NM_001130009.3(GEN1):c.1570G>C (p.Ala524Pro)

Gene: GEN1 (GEN1 structure-specific endonuclease; plus strand). Cytogenetic location: 2p24.2.
Variant type: single nucleotide variant.
Coding change: c.1570G>C on transcript NM_001130009.3 (MANE Select); coding-DNA position 1570, G replaced by C.
Protein change: p.Ala524Pro; replaces alanine 524 with proline.
Molecular consequence: missense variant.
Genome position (GRCh38, 1-based): chr2:17,780,782, G>C. VCF-style: chr2-17780782-G-C. GRCh37 (hg19) VCF-style: chr2-17962049-G-C.
Other names: c.1570G>C, p.Ala524Pro (NM_182625.5); c.1570G>C (NM_001130009.1); short protein forms A524P.
Identifiers: ClinVar variation 1496749 (VCV001496749.9), dbSNP rs1247543114, ClinGen allele CA345926148.